The following is an entry in ClinVar:

NM_032387.5(WNK4):c.1822G>T (p.Val608Leu)

Gene: WNK4 (WNK lysine deficient protein kinase 4; plus strand). Cytogenetic location: 17q21.2.
Variant type: single nucleotide variant.
Coding change: c.1822G>T on transcript NM_032387.5 (MANE Select); coding-DNA position 1822, G replaced by T.
Protein change: p.Val608Leu; replaces valine 608 with leucine.
Molecular consequence: missense variant.
Genome position (GRCh38, 1-based): chr17:42,787,858, G>T. VCF-style: chr17-42787858-G-T. GRCh37 (hg19) VCF-style: chr17-40939876-G-T.
Other names: c.814G>T, p.Val272Leu (NM_001321299.2); short protein forms V608L, V272L.
Identifiers: ClinVar variation 1973865 (VCV001973865.5), dbSNP rs560033554, ClinGen allele CA399658433.

ClinVar aggregate classification (germline): Uncertain significance (1 of 4 stars; one submission).

Submission:

Labcorp Genetics (formerly Invitae), Labcorp
Classification: Uncertain significance. Last evaluated: 2022-06-08. Review status: criteria provided, single submitter. Criteria: Invitae Variant Classification Sherloc (09022015). Collection method: clinical testing. Allele origin: germline.
Comment: In summary, the available evidence is currently insufficient to determine the role of this variant in disease. Therefore, it has been classified as a Variant of Uncertain Significance. This sequence change replaces valine, which is neutral and non-polar, with leucine, which is neutral and non-polar, at codon 608 of the WNK4 protein (p.Val608Leu). The frequency data for this variant in the population databases is considered unreliable, as metrics indicate poor data quality at this position in the gnomAD database. This variant has not been reported in the literature in individuals affected with WNK4-related conditions. Advanced modeling of protein sequence and biophysical properties (such as structural, functional, and spatial information, amino acid conservation, physicochemical variation, residue mobility, and thermodynamic stability) performed at Invitae indicates that this missense variant is not expected to disrupt WNK4 protein function.